The following is an entry in ClinVar:

ClinVar aggregate classification (germline): Likely benign (1 of 4 stars; one submission).

Conditions:
CYP17A1-related disorder. Also called: CYP17A1-related condition.

gnomAD v4.1: 1 of 1,605,556 alleles (0.000062%); no homozygotes.

Submission:

PreventionGenetics, part of Exact Sciences
Classification: Likely benign for CYP17A1-related condition. Last evaluated: 2025-04-26. Review status: criteria provided, single submitter. Criteria: ACMG Guidelines, 2015. Collection method: clinical testing. Allele origin: germline.
Comment: This variant is classified as likely benign based on ACMG/AMP sequence variant interpretation guidelines (Richards et al. 2015 PMID: 25741868, with internal and published modifications).

NM_000102.4(CYP17A1):c.-2C>A

Gene: CYP17A1 (cytochrome P450 family 17 subfamily A member 1; minus strand). Cytogenetic location: 10q24.32.
Variant type: single nucleotide variant.
Coding change: c.-2C>A on transcript NM_000102.4 (MANE Select); 2 bases upstream of the start codon, C replaced by A.
Molecular consequence: 5 prime UTR variant.
Genome position (GRCh38, 1-based): chr10:102,837,363, G>T on the plus strand (C>A on the coding strand, the complement: CYP17A1 is on the minus strand). VCF-style: chr10-102837363-G-T. GRCh37 (hg19) VCF-style: chr10-104597120-G-T.
Identifiers: ClinVar variation 5001393 (VCV005001393.1).